The following is an entry in ClinVar:

NM_016042.4(EXOSC3):c.557G>A (p.Arg186Gln)

Gene: EXOSC3 (exosome component 3; minus strand). Cytogenetic location: 9p13.2.
Variant type: single nucleotide variant.
Coding change: c.557G>A on transcript NM_016042.4 (MANE Select); coding-DNA position 557, G replaced by A.
Protein change: p.Arg186Gln; replaces arginine 186 with glutamine.
Molecular consequence: missense variant. On other transcripts: intron variant (1).
Genome position (GRCh38, 1-based): chr9:37,782,055, C>T on the plus strand (G>A on the coding strand, the complement: EXOSC3 is on the minus strand). VCF-style: chr9-37782055-C-T. GRCh37 (hg19) VCF-style: chr9-37782052-C-T.
Other names: c.475-1175G>A (NM_001002269.2); short protein forms R186Q.
Identifiers: ClinVar variation 1405008 (VCV001405008.3), dbSNP rs748839685, ClinGen allele CA5062729.
Genomic context (GRCh38, chr9:37,782,055, plus strand): 5'-AAGCCCAGAGTCACTTTAAAAAGCAGACCATCCTGTCCAATGACACCCATTCCATTGGCT[C>T]GTCCACAGCTGTCAATACAGACCATCTCTGGTTCCATGTCTTTATTAGCAACCACAAACT-3'
Protein context (NP_057126.2, residues 176-196): PEMVCIDSCG[Arg186Gln]ANGMGVIGQD

ClinVar aggregate classification (germline): Uncertain significance (1 of 4 stars; one submission).

Conditions:
Pontocerebellar hypoplasia type 1B. Also called: EXOSC3 Pontocerebellar Hypoplasia. Identifiers: Orphanet 2254, MedGen C3553449, MONDO:0013853, OMIM 614678.

Allele frequency attached by ClinVar (database versions not stated): gnomAD exomes below 0.00001 and 0.00001; gnomAD 0.00001; ExAC 0.00002; TOPMed 0.00002.
gnomAD v4.1: 8 of 1,614,004 alleles (0.0005%); highest among the groups gnomAD compares: South Asian, 0.0055%; no homozygotes.

Submission:

Labcorp Genetics (formerly Invitae), Labcorp
Classification: Uncertain significance for Pontocerebellar hypoplasia type 1B. Last evaluated: 2022-01-04. Review status: criteria provided, single submitter. Criteria: Invitae Variant Classification Sherloc (09022015). Collection method: clinical testing. Allele origin: germline.
Comment: This sequence change replaces arginine, which is basic and polar, with glutamine, which is neutral and polar, at codon 186 of the EXOSC3 protein (p.Arg186Gln). This variant is present in population databases (rs748839685, gnomAD 0.006%). This variant has not been reported in the literature in individuals affected with EXOSC3-related conditions. Algorithms developed to predict the effect of missense changes on protein structure and function are either unavailable or do not agree on the potential impact of this missense change (SIFT: "Deleterious"; PolyPhen-2: "Possibly Damaging"; Align-GVGD: "Class C0"). In summary, the available evidence is currently insufficient to determine the role of this variant in disease. Therefore, it has been classified as a Variant of Uncertain Significance.